The following is an entry in ClinVar:

NM_016111.4(TELO2):c.1246C>T (p.Arg416Trp)

Gene: TELO2 (telomere maintenance 2; plus strand). Cytogenetic location: 16p13.3.
Variant type: single nucleotide variant.
Coding change: c.1246C>T on transcript NM_016111.4 (MANE Select); coding-DNA position 1246, C replaced by T.
Protein change: p.Arg416Trp; replaces arginine 416 with tryptophan.
Molecular consequence: missense variant.
Genome position (GRCh38, 1-based): chr16:1,500,664, C>T. VCF-style: chr16-1500664-C-T. GRCh37 (hg19) VCF-style: chr16-1550665-C-T.
Other names: c.1246C>T (NM_016111.3); c.1246C>T, p.Arg416Trp (NM_001351846.2); short protein forms R416W.
Identifiers: ClinVar variation 2150405 (VCV002150405.4), dbSNP rs772007219, ClinGen allele CA7812008.

ClinVar aggregate classification (germline): Uncertain significance. Review status: criteria provided, multiple submitters, no conflicts (2 of 4 stars). 2 submissions from 2 submitters: Uncertain significance (2). Last evaluated 2025-11-13.

Allele frequency attached by ClinVar (database versions not stated): ExAC 0.00001; gnomAD 0.00002; TOPMed 0.00002.
gnomAD v4.1: 26 of 1,612,442 alleles (0.0016%); highest among the groups gnomAD compares: African/African-American, 0.0067%; no homozygotes.

Submissions (2):

GeneDx
Classification: Uncertain significance. Last evaluated: 2025-11-13. Review status: criteria provided, single submitter. Criteria: GeneDx Variant Classification Process June 2021. Collection method: clinical testing. Allele origin: germline.
Comment: In silico analysis supports that this missense variant has a deleterious effect on protein structure/function; Has not been previously published as pathogenic or benign to our knowledge

Labcorp Genetics (formerly Invitae), Labcorp
Classification: Uncertain significance. Last evaluated: 2022-08-16. Review status: criteria provided, single submitter. Criteria: Invitae Variant Classification Sherloc (09022015). Collection method: clinical testing. Allele origin: germline.
Comment: This variant is present in population databases (rs772007219, gnomAD 0.008%). This sequence change replaces arginine, which is basic and polar, with tryptophan, which is neutral and slightly polar, at codon 416 of the TELO2 protein (p.Arg416Trp). In summary, the available evidence is currently insufficient to determine the role of this variant in disease. Therefore, it has been classified as a Variant of Uncertain Significance. Algorithms developed to predict the effect of missense changes on protein structure and function are either unavailable or do not agree on the potential impact of this missense change (SIFT: "Deleterious"; PolyPhen-2: "Possibly Damaging"; Align-GVGD: "Class C0"). This variant has not been reported in the literature in individuals affected with TELO2-related conditions.